The following is an entry in ClinVar:

ClinVar aggregate classification (germline): Benign/Likely benign. Review status: criteria provided, multiple submitters, no conflicts (2 of 4 stars). 6 submissions from 6 submitters: Benign (5); Likely benign (1). Last evaluated 2026-02-04.

Conditions:
Idiopathic generalized epilepsy. Also called: Generalised epilepsy; EIG. Identifiers: MedGen C0270850, MONDO:0005579, OMIM 600669.
Hyperaldosteronism, familial, type IV (HALD4). Also called: FH IV; ALDOSTERONISM, PRIMARY, AND HYPERTENSION. Identifiers: Orphanet 642671, MedGen C4310756, MONDO:0014875, OMIM 617027.

Allele frequency attached by ClinVar (database versions not stated): 1000 Genomes Project 0.03175; 1000 Genomes Project 30x 0.03201; TOPMed 0.04002; ESP Exome Variant Server 0.04162; gnomAD 0.04404 and 0.04418; gnomAD exomes 0.05477; ExAC 0.09794.
gnomAD v4.1: 89,377 of 1,561,046 alleles (5.7%); highest among the groups gnomAD compares: South Asian, 8.4%; 3,036 homozygotes.

Submissions (6):

Labcorp Genetics (formerly Invitae), Labcorp
Classification: Benign for Idiopathic generalized epilepsy; Hyperaldosteronism, familial, type IV. Last evaluated: 2026-02-04. Review status: criteria provided, single submitter. Criteria: Invitae Variant Classification Sherloc (09022015). Collection method: clinical testing. Allele origin: germline.

Blueprint Genetics
Classification: Likely benign. Last evaluated: 2024-11-27. Review status: criteria provided, single submitter. Criteria: ACMG Guidelines, 2015. Collection method: clinical testing. Allele origin: germline.

Mayo Clinic Laboratories, Mayo Clinic
Classification: Benign. Last evaluated: 2023-09-01. Review status: criteria provided, single submitter. Criteria: ACMG Guidelines, 2015. Collection method: clinical testing. Allele origin: germline. Observed: 8 variant alleles.
Comment: BA1

GeneDx
Classification: Benign. Last evaluated: 2019-11-22. Review status: criteria provided, single submitter. Criteria: GeneDx Variant Classification Process June 2021. Collection method: clinical testing. Allele origin: germline. Affected: yes.
Comment: This variant is associated with the following publications: (PMID: 28933792)

Athena Diagnostics
Classification: Benign. Last evaluated: 2017-04-20. Review status: criteria provided, single submitter. Criteria: Athena Diagnostics Criteria. Collection method: clinical testing. Allele origin: germline.

Breakthrough Genomics
Classification: Benign. Review status: criteria provided, single submitter. Criteria: ACMG Guidelines, 2015. Collection method: not provided. Allele origin: germline. Inheritance: Autosomal dominant inheritance. Affected: yes.

NM_021098.3(CACNA1H):c.5612G>A (p.Arg1871Gln)

Gene: CACNA1H (calcium voltage-gated channel subunit alpha1 H; plus strand). Cytogenetic location: 16p13.3.
Variant type: single nucleotide variant.
Coding change: c.5612G>A on transcript NM_021098.3 (MANE Select); coding-DNA position 5612, G replaced by A.
Protein change: p.Arg1871Gln; replaces arginine 1871 with glutamine.
Molecular consequence: missense variant.
Genome position (GRCh38, 1-based): chr16:1,218,376, G>A. VCF-style: chr16-1218376-G-A. GRCh37 (hg19) VCF-style: chr16-1268376-G-A.
Other names: p.Arg1871Gln; c.5594G>A, p.Arg1865Gln (NM_001005407.2); short protein forms R1871Q, R1865Q.
Identifiers: ClinVar variation 585651 (VCV000585651.16), dbSNP rs58124832, ClinGen allele CA7802076.